The following is an entry in ClinVar:

NM_000553.6(WRN):c.2150G>A (p.Cys717Tyr)

Gene: WRN (WRN RecQ like helicase; plus strand). Cytogenetic location: 8p12.
Variant type: single nucleotide variant.
Coding change: c.2150G>A on transcript NM_000553.6 (MANE Select); coding-DNA position 2150, G replaced by A.
Protein change: p.Cys717Tyr; replaces cysteine 717 with tyrosine.
Molecular consequence: missense variant.
Genome position (GRCh38, 1-based): chr8:31,111,676, G>A. VCF-style: chr8-31111676-G-A. GRCh37 (hg19) VCF-style: chr8-30969192-G-A.
Other names: short protein forms C717Y.
Identifiers: ClinVar variation 956823 (VCV000956823.2), dbSNP rs1801322765, ClinGen allele CA370912575.

ClinVar aggregate classification (germline): Uncertain significance (1 of 4 stars; one submission).

Conditions:
Werner syndrome (WRN). Identifiers: Orphanet 902, MedGen C0043119, MONDO:0010196, OMIM 277700.

Submission:

Labcorp Genetics (formerly Invitae), Labcorp
Classification: Uncertain significance for Werner syndrome. Last evaluated: 2019-10-01. Review status: criteria provided, single submitter. Criteria: Invitae Variant Classification Sherloc (09022015). Collection method: clinical testing. Allele origin: germline.
Comment: This sequence change replaces cysteine with tyrosine at codon 717 of the WRN protein (p.Cys717Tyr). The cysteine residue is moderately conserved and there is a large physicochemical difference between cysteine and tyrosine. This variant is not present in population databases (ExAC no frequency). This variant has not been reported in the literature in individuals with WRN-related conditions. Algorithms developed to predict the effect of missense changes on protein structure and function are either unavailable or do not agree on the potential impact of this missense change (SIFT: Tolerated; PolyPhen-2: Probably Damaging; Align-GVGD: Class C1). In summary, the available evidence is currently insufficient to determine the role of this variant in disease. Therefore, it has been classified as a Variant of Uncertain Significance. 5